The following is an entry in ClinVar:

ClinVar aggregate classification (germline): Uncertain significance (1 of 4 stars; one submission).

Submission:

Dasa
Classification: Uncertain significance. Last evaluated: 2025-10-16. Review status: criteria provided, single submitter. Criteria: DASA Assertion Criteria. Collection method: clinical testing. Allele origin: germline.
Comment: NM_015001.3(SPEN):c.4150G>C (p.Glu1384Gln) is a missense variant that results in the substitution of glutamic acid with glutamine. This variant is absent from population databases. Computational prediction algorithms are consistent with a benign effect. The currently available literature and clinical evidence are not sufficient to establish a definitive association between this variant and the reported condition. Therefore, this variant is classified as a variant of uncertain significance.

NM_015001.3(SPEN):c.4150G>C (p.Glu1384Gln)

Gene: SPEN (spen family transcriptional repressor; plus strand). Cytogenetic location: 1p36.13.
Variant type: single nucleotide variant.
Coding change: c.4150G>C on transcript NM_015001.3 (MANE Select); coding-DNA position 4150, G replaced by C.
Protein change: p.Glu1384Gln; replaces glutamic acid 1384 with glutamine.
Molecular consequence: missense variant.
Genome position (GRCh38, 1-based): chr1:15,930,390, G>C. VCF-style: chr1-15930390-G-C. GRCh37 (hg19) VCF-style: chr1-16256885-G-C.
Other names: short protein forms E1384Q.
Identifiers: ClinVar variation 4885163 (VCV004885163.2).